The following is an entry in ClinVar:

NM_005502.4(ABCA1):c.4699-46_4699-15del

Gene: ABCA1 (ATP binding cassette subfamily A member 1; minus strand). Cytogenetic location: 9q31.1.
Variant type: Deletion.
Coding change: c.4699-46_4699-15del on transcript NM_005502.4 (MANE Select); 46 bases into the intron before coding-DNA position 4699 through 15 bases into the intron before coding-DNA position 4699, 32 bases deleted.
Molecular consequence: intron variant.
Genome position (GRCh38, 1-based): chr9:104,800,599-104,800,630, 32 bases deleted; deleting any 32 consecutive bases within chr9:104,800,599-104,800,632 gives the same sequence; the c. name uses the placement nearest the transcript's 3' end. GRCh37 (hg19): chr9:107,562,882-107,562,913.
Other names: c.4699-46_4699-15del32 (NM_005502.4).
Identifiers: ClinVar variation 4853630 (VCV004853630.1).

ClinVar aggregate classification (germline): Likely benign (1 of 4 stars; one submission).

Submission:

Women's Health and Genetics/Laboratory Corporation of America, LabCorp
Classification: Likely benign. Last evaluated: 2026-05-01. Review status: criteria provided, single submitter. Criteria: LabCorp Variant Classification Summary - May 2015. Collection method: clinical testing. Allele origin: germline.
Comment: Variant summary: ABCA1 c.4699-46_4699-15del32 alters a conserved nucleotide located at a position not widely known to affect splicing. Consensus agreement among computation tools predict no significant impact on normal splicing. However, these predictions have yet to be confirmed by functional studies. The variant allele was found at a frequency of 2.8e-05 in 251290 control chromosomes in the gnomAD database, including 1 homozygotes. The available data on variant occurrences in the general population are insufficient to allow any conclusion about variant significance. To our knowledge, no occurrence of c.4699-46_4699-15del32 in individuals affected with ABCA1-related conditions and no experimental evidence demonstrating its impact on protein function have been reported. No submitters have cited clinical-significance assessments for this variant to ClinVar. Based on the evidence outlined above, the variant was classified as likely benign.